The following is an entry in ClinVar:

NM_001845.6(COL4A1):c.4799C>T (p.Ser1600Phe)

Gene: COL4A1 (collagen type IV alpha 1 chain; minus strand). Cytogenetic location: 13q34.
Variant type: single nucleotide variant.
Coding change: c.4799C>T on transcript NM_001845.6 (MANE Select); coding-DNA position 4799, C replaced by T.
Protein change: p.Ser1600Phe; replaces serine 1600 with phenylalanine.
Molecular consequence: missense variant.
Genome position (GRCh38, 1-based): chr13:110,152,463, G>A on the plus strand (C>T on the coding strand, the complement: COL4A1 is on the minus strand). VCF-style: chr13-110152463-G-A. GRCh37 (hg19) VCF-style: chr13-110804810-G-A.
Other names: short protein forms S1600F.
Identifiers: ClinVar variation 3775840 (VCV003775840.1).

ClinVar aggregate classification (germline): Uncertain significance (1 of 4 stars; one submission).

Conditions:
Brain small vessel disease 1 with or without ocular anomalies (BSVD1). Also called: PORENCEPHALY, TYPE 1, AUTOSOMAL DOMINANT; Brain small vessel disease with or without ocular anomalies; BRAIN SMALL VESSEL DISEASE WITH HEMORRHAGE; GOULD SYNDROME 1. Identifiers: Orphanet 2940, Orphanet 36383, Orphanet 99810, MedGen C4755307, MONDO:0008289, OMIM 175780.

gnomAD v4.1: 1 of 1,613,958 alleles (0.000062%); highest among the groups gnomAD compares: East Asian, 0.0022%; no homozygotes.

Submission:

3billion
Classification: Uncertain significance for Brain small vessel disease 1 with or without ocular anomalies. Last evaluated: 2023-07-10. Review status: criteria provided, single submitter. Criteria: ACMG Guidelines, 2015. Collection method: clinical testing. Allele origin: germline. Affected: yes.
Comment: The variant is observed at an extremely low frequency in the gnomAD v2.1.1 dataset (total allele frequency: <0.001%). Predicted Consequence/Location: Missense changes are a common disease-causing mechanism. In silico tool predictions suggest damaging effect of the variant on gene or gene product (REVEL: 0.90; 3Cnet: 0.52). Therefore, this variant is classified as VUS according to the recommendation of ACMG/AMP guideline.